The following is an entry in ClinVar:

ClinVar aggregate classification (germline): Uncertain significance (1 of 4 stars; one submission).

Conditions:
Neurofibromatosis, type 1 (NF1). Also called: Neurofibromatosis, type I; NEUROFIBROMATOSIS, TYPE I, SOMATIC; Peripheral type neurofibromatosis; VON RECKLINGHAUSEN DISEASE. Identifiers: Orphanet 636, MedGen C0027831, MONDO:0018975, OMIM 162200. Disease mechanism: loss of function.

Submission:

Labcorp Genetics (formerly Invitae), Labcorp
Classification: Uncertain significance for Neurofibromatosis, type 1. Last evaluated: 2023-06-24. Review status: criteria provided, single submitter. Criteria: Invitae Variant Classification Sherloc (09022015). Collection method: clinical testing. Allele origin: germline.
Comment: In summary, the available evidence is currently insufficient to determine the role of this variant in disease. Therefore, it has been classified as a Variant of Uncertain Significance. Advanced modeling of protein sequence and biophysical properties (such as structural, functional, and spatial information, amino acid conservation, physicochemical variation, residue mobility, and thermodynamic stability) performed at Invitae indicates that this missense variant is expected to disrupt NF1 protein function. This variant has not been reported in the literature in individuals affected with NF1-related conditions. This variant is not present in population databases (gnomAD no frequency). This sequence change replaces cysteine, which is neutral and slightly polar, with tryptophan, which is neutral and slightly polar, at codon 328 of the NF1 protein (p.Cys328Trp).

NM_001042492.3(NF1):c.984T>G (p.Cys328Trp)

Gene: NF1 (neurofibromin 1; plus strand). Cytogenetic location: 17q11.2.
Variant type: single nucleotide variant.
Coding change: c.984T>G on transcript NM_001042492.3 (MANE Select); coding-DNA position 984, T replaced by G.
Protein change: p.Cys328Trp; replaces cysteine 328 with tryptophan.
Molecular consequence: missense variant.
Genome position (GRCh38, 1-based): chr17:31,200,517, T>G. VCF-style: chr17-31200517-T-G. GRCh37 (hg19) VCF-style: chr17-29527535-T-G.
Other names: c.984T>G, p.Cys328Trp (NM_001128147.3, NM_000267.4); short protein forms C328W.
Identifiers: ClinVar variation 2728147 (VCV002728147.3), dbSNP rs2143873387, ClinGen allele CA398996094.